The following is an entry in ClinVar:

ClinVar aggregate classification (germline): Conflicting classifications of pathogenicity. Review status: criteria provided, conflicting classifications (1 of 4 stars). 4 submissions from 4 submitters: Uncertain significance (1); Likely benign (3). Last evaluated 2025-06-15.

Conditions:
Cardiomyopathy (CMYO). Also called: Cardiomyopathies. Identifiers: Orphanet 167848, MedGen C0878544, MONDO:0004994, HP:0001638. Inheritance: Various modes of inheritance.
Hypertrophic cardiomyopathy. Also called: HYPERTROPHIC MYOCARDIOPATHY. Identifiers: Orphanet 217569, MedGen C0007194, MeSH D002312, MONDO:0005045, HP:0001639.

Allele frequency attached by ClinVar (database versions not stated): gnomAD 0.00001; gnomAD exomes 0.00002; TOPMed 0.00002.

Submissions (4):

Labcorp Genetics (formerly Invitae), Labcorp
Classification: Likely benign for Hypertrophic cardiomyopathy. Last evaluated: 2025-06-15. Review status: criteria provided, single submitter. Criteria: Invitae Variant Classification Sherloc (09022015). Collection method: clinical testing. Allele origin: germline.

All of Us Research Program, National Institutes of Health
Classification: Likely benign for Hypertrophic cardiomyopathy. Last evaluated: 2023-12-13. Review status: criteria provided, single submitter. Criteria: ACMG Guidelines, 2015. Collection method: clinical testing. Allele origin: germline. Inheritance: Autosomal dominant inheritance. Observed: 1 variant allele, 1 heterozygote.
Comment: This study involves interpretation of variants in research participants for the purpose of population health screening. Participant phenotype was not available at the time of variant classification. Additional details can be found in publication PMID: 35346344, PMCID: PMC8962531

CHEO Genetics Diagnostic Laboratory, Children's Hospital of Eastern Ontario
Classification: Uncertain significance for Cardiomyopathy. Last evaluated: 2022-03-16. Review status: criteria provided, single submitter. Criteria: ACMG Guidelines, 2015. Collection method: clinical testing. Allele origin: germline.

Color Diagnostics, LLC DBA Color Health
Classification: Likely benign for Cardiomyopathy. Last evaluated: 2020-02-21. Review status: criteria provided, single submitter. Criteria: ACMG Guidelines, 2015. Collection method: clinical testing. Allele origin: germline.

NM_000256.3(MYBPC3):c.651C>T (p.Ser217=)

Gene: MYBPC3 (myosin binding protein C3; minus strand). Cytogenetic location: 11p11.2.
Variant type: single nucleotide variant.
Coding change: c.651C>T on transcript NM_000256.3 (MANE Select); coding-DNA position 651, C replaced by T.
Protein change: p.Ser217=; no amino-acid change (serine 217 retained).
Molecular consequence: synonymous variant.
Genome position (GRCh38, 1-based): chr11:47,349,777, G>A on the plus strand (C>T on the coding strand, the complement: MYBPC3 is on the minus strand). VCF-style: chr11-47349777-G-A. GRCh37 (hg19) VCF-style: chr11-47371328-G-A.
Identifiers: ClinVar variation 924850 (VCV000924850.6), dbSNP rs1199611247, ClinGen allele CA474221586.